The following is an entry in ClinVar:

ClinVar aggregate classification (germline): Uncertain significance. Review status: criteria provided, multiple submitters, no conflicts (2 of 4 stars). 2 submissions from 2 submitters: Uncertain significance (2). Last evaluated 2026-06-23.

Conditions:
Inborn genetic diseases. Identifiers: MedGen C0950123, MeSH D030342.

Allele frequency attached by ClinVar (database versions not stated): gnomAD exomes below 0.00001.
gnomAD v4.1: 2 of 1,611,640 alleles (0.00012%); highest among the groups gnomAD compares: Admixed American, 0.0033%; no homozygotes.

Submissions (2):

Women's Health and Genetics/Laboratory Corporation of America, LabCorp
Classification: Uncertain significance. Last evaluated: 2026-06-23. Review status: criteria provided, single submitter. Criteria: LabCorp Variant Classification Summary - May 2015. Collection method: clinical testing. Allele origin: germline.
Comment: Variant summary: DCHS1 c.5551C>T (p.His1851Tyr) results in a conservative amino acid change in the encoded protein sequence. Algorithms developed to predict the effect of missense changes on protein structure and function are either unavailable or do not agree on the potential impact of this missense change. The variant allele was found at a frequency of 4.1e-06 in 246222 control chromosomes. The available data on variant occurrences in the general population are insufficient to allow any conclusion about variant significance. To our knowledge, no occurrence of c.5551C>T in individuals affected with DCHS1-related conditions and no experimental evidence demonstrating its impact on protein function have been reported. ClinVar contains an entry for this variant (Variation ID: 2324601). Based on the evidence outlined above, the variant was classified as uncertain significance.

Ambry Genetics
Classification: Uncertain significance for Inborn genetic diseases. Last evaluated: 2022-11-09. Review status: criteria provided, single submitter. Criteria: Ambry Variant Classification Scheme 2023. Collection method: clinical testing. Allele origin: germline.

NM_003737.4(DCHS1):c.5551C>T (p.His1851Tyr)

Gene: DCHS1 (dachsous cadherin-related 1; minus strand). Cytogenetic location: 11p15.4.
Variant type: single nucleotide variant.
Coding change: c.5551C>T on transcript NM_003737.4 (MANE Select); coding-DNA position 5551, C replaced by T.
Protein change: p.His1851Tyr; replaces histidine 1851 with tyrosine.
Molecular consequence: missense variant.
Genome position (GRCh38, 1-based): chr11:6,627,488, G>A on the plus strand (C>T on the coding strand, the complement: DCHS1 is on the minus strand). VCF-style: chr11-6627488-G-A. GRCh37 (hg19) VCF-style: chr11-6648719-G-A.
Other names: short protein forms H1851Y.
Identifiers: ClinVar variation 2324601 (VCV002324601.3), dbSNP rs1469050667, ClinGen allele CA379394296.
Genomic context (GRCh38, chr11:6,627,488, plus strand): 5'-CTGCAGGCACATCCTCCGGCACCTCCACCGAGTAGGCAGGCACAGGAAAGGCTGGAGCAT[G>A]GTCATTGGCATCCAGCACTGTCACTGTCAAAAGCAGCGTGGCACTGAGAGCTGGCTGGCC-3'
Protein context (NP_003728.1, residues 1841-1861): LTVTVLDAND[His1851Tyr]APAFPVPAYS